The following is an entry in ClinVar:

NM_178822.5(IGSF10):c.3477C>T (p.Asn1159=)

Gene: IGSF10 (immunoglobulin superfamily member 10; minus strand). Cytogenetic location: 3q25.1.
Variant type: single nucleotide variant.
Coding change: c.3477C>T on transcript NM_178822.5 (MANE Select); coding-DNA position 3477, C replaced by T.
Protein change: p.Asn1159=; no amino-acid change (asparagine 1159 retained).
Molecular consequence: synonymous variant.
Genome position (GRCh38, 1-based): chr3:151,446,504, G>A on the plus strand (C>T on the coding strand, the complement: IGSF10 is on the minus strand). VCF-style: chr3-151446504-G-A. GRCh37 (hg19) VCF-style: chr3-151164292-G-A.
Other names: c.3477C>T, p.Asn1159= (NM_001385060.1, NM_001385061.1, NM_001385062.1 and 1 more transcripts).
Identifiers: ClinVar variation 720181 (VCV000720181.8), dbSNP rs145350083, ClinGen allele CA2670170.
Genomic context (GRCh38, chr3:151,446,504, plus strand): 5'-CGATGTAATCACTGAATCTCTTTTAGCTTCATTGGTGCTAGACACACGTGGGTAACTGGC[G>A]TTTACTTTGTGAGTTTTTTCCATGGGTATGGATGTTGGAGCATATGTCATGACTGCACCA-3'
Protein context (NP_849144.2, residues 1149-1169): SIPMEKTHKV[Asn1159=]ASYPRVSSTN

ClinVar aggregate classification (germline): Likely benign. Review status: criteria provided, single submitter (1 of 4 stars). 2 submissions from 2 submitters: Likely benign (1). 1 of the submissions does not count toward it. Last evaluated 2025-09-17.

Conditions:
IGSF10-related disorder. Also called: IGSF10-related condition.

Allele frequency attached by ClinVar (database versions not stated): ESP Exome Variant Server 0.00046; 1000 Genomes Project 30x 0.00047; ExAC 0.00047; gnomAD exomes 0.00055 and 0.00081; 1000 Genomes Project 0.00060; gnomAD 0.00092 and 0.00093; TOPMed 0.00099.
gnomAD v4.1: 935 of 1,614,104 alleles (0.058%); highest among the groups gnomAD compares: Admixed American, 0.37%; 2 homozygotes.

Submissions (2):

Labcorp Genetics (formerly Invitae), Labcorp
Classification: Likely benign. Last evaluated: 2025-09-17. Review status: criteria provided, single submitter. Criteria: Invitae Variant Classification Sherloc (09022015). Collection method: clinical testing. Allele origin: germline.

PreventionGenetics, part of Exact Sciences
Classification: Likely benign for IGSF10-related condition. Last evaluated: 2023-04-09. Review status: no assertion criteria provided. Collection method: clinical testing. Allele origin: germline. Not counted in ClinVar's aggregate classification.
Comment: This variant is classified as likely benign based on ACMG/AMP sequence variant interpretation guidelines (Richards et al. 2015 PMID: 25741868, with internal and published modifications).